The following is an entry in ClinVar:

NM_001282531.3(ADNP):c.2573C>G (p.Ala858Gly)

Gene: ADNP (activity dependent neuroprotector homeobox; minus strand). Cytogenetic location: 20q13.13.
Variant type: single nucleotide variant.
Coding change: c.2573C>G on transcript NM_001282531.3 (MANE Select); coding-DNA position 2573, C replaced by G.
Protein change: p.Ala858Gly; replaces alanine 858 with glycine.
Molecular consequence: missense variant.
Genome position (GRCh38, 1-based): chr20:50,892,141, G>C on the plus strand (C>G on the coding strand, the complement: ADNP is on the minus strand). VCF-style: chr20-50892141-G-C. GRCh37 (hg19) VCF-style: chr20-49508678-G-C.
Other names: c.2573C>G, p.Ala858Gly (NM_001282532.2, NM_001347511.2, NM_015339.5 and 1 more transcripts); short protein forms A858G.
Identifiers: ClinVar variation 931183 (VCV000931183.3), dbSNP rs1980835532, ClinGen allele CA408969057.
Genomic context (GRCh38, chr20:50,892,141, plus strand): 5'-CTGTCTGAGGAACTGTCATCTTCCTTCCCAAGGTTGAGCTTTTTGTCAGCAGTCTTACTA[G>C]CATTGACTCTGGAATCCTTCTCATCATGATTTTCAAATAGCCACTCAGCATCAAAATCCA-3'
Protein context (NP_001269460.1, residues 848-868): NHDEKDSRVN[Ala858Gly]SKTADKKLNL

ClinVar aggregate classification (germline): Likely benign (1 of 4 stars; one submission).

Conditions:
ADNP-related multiple congenital anomalies - intellectual disability - autism spectrum disorder. Also called: ADNP-Related Helsmoortel-Van der Aa Syndrome; Helsmoortel-Van der Aa Syndrome. Identifiers: Orphanet 404448, MedGen C4014538, MONDO:0014379, OMIM 615873. Disease mechanism: loss of function.

Submission:

Centre for Mendelian Genomics, University Medical Centre Ljubljana
Classification: Likely benign for ADNP-related multiple congenital anomalies - intellectual disability - autism spectrum disorder. Last evaluated: 2020-04-02. Review status: criteria provided, single submitter. Criteria: ACMG Guidelines, 2015. Collection method: clinical testing. Allele origin: unknown. Affected: yes.
Comment: This variant was classified as: Likely benign. The following ACMG criteria were applied in classifying this variant: PM2,PP3,BP1,BS2.